The following is an entry in ClinVar:

ClinVar aggregate classification (germline): Likely pathogenic (1 of 4 stars; one submission).

Submission:

GeneDx
Classification: Likely pathogenic. Last evaluated: 2017-08-09. Review status: criteria provided, single submitter. Criteria: GeneDx Variant Classification (06012015). Collection method: clinical testing. Allele origin: germline. Affected: yes.
Comment: The de novo P286L variant in the RAD51 gene has not been reported previously as a pathogenic variant, nor as a benign variant, to our knowledge. The P286L variant is not observed in large population cohorts (Lek et al., 2016; 1000 Genomes Consortium et al., 2015; Exome Variant Server). The P286L variant is a semi-conservative amino acid substitution, which may impact secondary protein structure as these residues differ in some properties. This substitution occurs at a position that is conserved across species. In silico analysis predicts this variant is probably damaging to the protein structure/function. We interpret P286L as a likely pathogenic variant.

NM_002875.5(RAD51):c.857C>T (p.Pro286Leu)

Gene: RAD51 (RAD51 recombinase; plus strand). Cytogenetic location: 15q15.1.
Variant type: single nucleotide variant.
Coding change: c.857C>T on transcript NM_002875.5 (MANE Select); coding-DNA position 857, C replaced by T.
Protein change: p.Pro286Leu; replaces proline 286 with leucine.
Molecular consequence: missense variant. On other transcripts: intron variant (1).
Genome position (GRCh38, 1-based): chr15:40,729,935, C>T. VCF-style: chr15-40729935-C-T. GRCh37 (hg19) VCF-style: chr15-41022133-C-T.
Other names: c.860C>T, p.Pro287Leu (NM_001164269.2, NM_133487.4); c.774+301C>T (NM_001164270.2); short protein forms P286L, P287L.
Identifiers: ClinVar variation 449674 (VCV000449674.2), dbSNP rs1555429670, ClinGen allele CA391760099.